The following is an entry in ClinVar:

ClinVar aggregate classification (germline): Uncertain significance. Review status: criteria provided, multiple submitters, no conflicts (2 of 4 stars). 2 submissions from 2 submitters: Uncertain significance (2). Last evaluated 2022-06-16.

Conditions:
Inborn genetic diseases. Identifiers: MedGen C0950123, MeSH D030342.
Bardet-Biedl syndrome (BBS). Identifiers: Orphanet 110, MedGen C0752166, MONDO:0015229.

Submissions (2):

Ambry Genetics
Classification: Uncertain significance for Inborn genetic diseases. Last evaluated: 2022-06-16. Review status: criteria provided, single submitter. Criteria: Ambry Variant Classification Scheme 2023. Collection method: clinical testing. Allele origin: germline.
Comment: The c.1200_1202delGAA (p.K401del) alteration is located in exon 14 (coding exon 14) of the BBS4 gene. This alteration consists of an in-frame deletion of 3 nucleotides between nucleotide positions c.1200 and c.1202, resulting in the deletion of <NA> residues. Based on insufficient or conflicting evidence, the clinical significance of this alteration remains unclear.

Labcorp Genetics (formerly Invitae), Labcorp
Classification: Uncertain significance for Bardet-Biedl syndrome. Last evaluated: 2021-09-01. Review status: criteria provided, single submitter. Criteria: Invitae Variant Classification Sherloc (09022015). Collection method: clinical testing. Allele origin: germline.
Comment: This variant, c.1200_1202del, results in the deletion of 1 amino acid(s) of the BBS4 protein (p.Lys401del), but otherwise preserves the integrity of the reading frame. This variant is not present in population databases (ExAC no frequency). This variant has not been reported in the literature in individuals affected with BBS4-related conditions. Experimental studies and prediction algorithms are not available or were not evaluated, and the functional significance of this variant is currently unknown. In summary, the available evidence is currently insufficient to determine the role of this variant in disease. Therefore, it has been classified as a Variant of Uncertain Significance.

NM_033028.5(BBS4):c.1197GAA[1] (p.Lys401del)

Gene: BBS4 (Bardet-Biedl syndrome 4; plus strand). Cytogenetic location: 15q24.1.
Variant type: Microsatellite.
Coding change: c.1197GAA[1] on transcript NM_033028.5 (MANE Select); one copy of the 3-base unit GAA starting at c.1197; the reference has two copies in a row; one copy, 3 bases deleted.
Protein change: p.Lys401del; deletes lysine 401.
Molecular consequence: inframe deletion. On other transcripts: non-coding transcript variant (2).
Genome position (GRCh38, 1-based): chr15:72,735,918-72,735,920, GAA deleted; deleting any 3 consecutive bases within chr15:72,735,914-72,735,920 gives the same sequence; the position shown is the placement nearest the transcript's 3' end. VCF-style (leftmost placement, unchanged base first): chr15-72735913-GAGA-G. GRCh37 (hg19) VCF-style: chr15-73028254-GAGA-G.
Other names: c.681GAA[1], p.Lys229del (NM_001252678.2); c.1128GAA[1], p.Lys378del (NM_001320665.2); c.1200_1202delGAA (NM_033028.3); short protein forms K229del, K378del, K401del.
Identifiers: ClinVar variation 1017022 (VCV001017022.6), dbSNP rs1414925501, ClinGen allele CA619070869.